The following is an entry in ClinVar:

NM_004960.4(FUS):c.1204_1206del (p.Ser402del)

Gene: FUS (FUS RNA binding protein; plus strand). Cytogenetic location: 16p11.2.
Variant type: Deletion.
Coding change: c.1204_1206del on transcript NM_004960.4 (MANE Select); coding-DNA positions 1204 to 1206, 3 bases deleted (AGT; older notation c.1204_1206delAGT).
Protein change: p.Ser402del; deletes serine 402.
Molecular consequence: inframe deletion. On other transcripts: non-coding transcript variant (1).
Genome position (GRCh38, 1-based): chr16:31,190,310-31,190,312, AGT deleted. VCF-style (leftmost placement, unchanged base first): chr16-31190309-CAGT-C. GRCh37 (hg19) VCF-style: chr16-31201630-CAGT-C.
Other names: c.1204_1206delAGT (NM_004960.3); c.1201_1203del, p.Ser401del (NM_001170634.1); c.1192_1194del, p.Ser398del (NM_001170937.1); short protein forms S402del, S401del, S398del.
Identifiers: ClinVar variation 653781 (VCV000653781.11), dbSNP rs781120756, ClinGen allele CA8023975.

ClinVar aggregate classification (germline): Uncertain significance. Review status: criteria provided, multiple submitters, no conflicts (2 of 4 stars). 2 submissions from 2 submitters: Uncertain significance (2). Last evaluated 2023-03-23.

Conditions:
Amyotrophic lateral sclerosis type 6. Also called: Amyotrophic lateral sclerosis 6, with or without frontotemporal dementia; FUS-Related Amyotrophic Laterial Sclerosis; AMYOTROPHIC LATERAL SCLEROSIS 6 WITHOUT FRONTOTEMPORAL DEMENTIA. Identifiers: Orphanet 275872, Orphanet 803, MedGen C2931786, MONDO:0011951, OMIM 608030.
Tremor, hereditary essential, 4 (ETM4). Identifiers: MedGen C3539195, MONDO:0013888, OMIM 614782.
Inborn genetic diseases. Identifiers: MedGen C0950123, MeSH D030342.

Allele frequency attached by ClinVar (database versions not stated): ExAC 0.00002; gnomAD 0.00002; gnomAD exomes 0.00002 and 0.00008; TOPMed 0.00006.

Submissions (2):

Labcorp Genetics (formerly Invitae), Labcorp
Classification: Uncertain significance for Tremor, hereditary essential, 4; Amyotrophic lateral sclerosis type 6. Last evaluated: 2023-03-23. Review status: criteria provided, single submitter. Criteria: Invitae Variant Classification Sherloc (09022015). Collection method: clinical testing. Allele origin: germline.
Comment: In summary, the available evidence is currently insufficient to determine the role of this variant in disease. Therefore, it has been classified as a Variant of Uncertain Significance. Experimental studies and prediction algorithms are not available or were not evaluated, and the functional significance of this variant is currently unknown. ClinVar contains an entry for this variant (Variation ID: 653781). This variant has not been reported in the literature in individuals affected with FUS-related conditions. This variant is present in population databases (rs781120756, gnomAD 0.005%). This variant, c.1204_1206del, results in the deletion of 1 amino acid(s) of the FUS protein (p.Ser402del), but otherwise preserves the integrity of the reading frame.

Ambry Genetics
Classification: Uncertain significance for Inborn genetic diseases. Last evaluated: 2021-04-05. Review status: criteria provided, single submitter. Criteria: Ambry Variant Classification Scheme 2023. Collection method: clinical testing. Allele origin: germline.
Comment: The c.1204_1206delAGT variant (also known as p.S402del) is located in coding exon 12 of the FUS gene. This variant results from an in-frame AGT deletion at nucleotide positions 1204 to 1206. This results in the in-frame deletion of a serine at codon 402. This amino acid position is not well conserved in available vertebrate species. In addition, this alteration is predicted to be neutral by in silico analysis (Choi Y et al. PLoS ONE. 2012; 7(10):e46688). Since supporting evidence is limited at this time, the clinical significance of this alteration remains unclear.